The following is an entry in ClinVar:

ClinVar aggregate classification (germline): Uncertain significance. Review status: criteria provided, multiple submitters, no conflicts (2 of 4 stars). 2 submissions from 2 submitters: Uncertain significance (2). Last evaluated 2025-11-10.

Conditions:
DNMT3A-related disorder. Also called: DNMT3A-related disorders; DNMT3A-related condition.
Tatton-Brown-Rahman overgrowth syndrome. Also called: Tall stature-intellectual disability-facial dysmorphism syndrome; Tatton-Brown-Rahman syndrome. Identifiers: Orphanet 404443, MedGen C4014545, MONDO:0014382, OMIM 615879.

Submissions (2):

PreventionGenetics, part of Exact Sciences
Classification: Uncertain significance for DNMT3A-related condition. Last evaluated: 2025-11-10. Review status: criteria provided, single submitter. Criteria: ACMG Guidelines, 2015. Collection method: clinical testing. Allele origin: germline.
Comment: The DNMT3A c.481A>G variant is predicted to result in the amino acid substitution p.Met161Val. To our knowledge, this variant has not been reported in the literature. This variant is reported in 0.0019% of alleles in individuals of European (on-Finnish) descent in gnomAD. At this time, the clinical significance of this variant is uncertain due to the absence of conclusive functional and genetic evidence.

Labcorp Genetics (formerly Invitae), Labcorp
Classification: Uncertain significance for Tatton-Brown-Rahman overgrowth syndrome. Last evaluated: 2024-09-14. Review status: criteria provided, single submitter. Criteria: Invitae Variant Classification Sherloc (09022015). Collection method: clinical testing. Allele origin: germline.
Comment: This sequence change replaces methionine, which is neutral and non-polar, with valine, which is neutral and non-polar, at codon 161 of the DNMT3A protein (p.Met161Val). This variant is present in population databases (rs574046229, gnomAD 0.002%). This variant has not been reported in the literature in individuals affected with DNMT3A-related conditions. ClinVar contains an entry for this variant (Variation ID: 2628699). An algorithm developed to predict the effect of missense changes on protein structure and function outputs the following: PolyPhen-2: "Benign". The valine amino acid residue is found in multiple mammalian species, which suggests that this missense change does not adversely affect protein function. In summary, the available evidence is currently insufficient to determine the role of this variant in disease. Therefore, it has been classified as a Variant of Uncertain Significance.

NM_022552.5(DNMT3A):c.481A>G (p.Met161Val)

Genes: DNMT3A (DNA methyltransferase 3 alpha; minus strand), LOC129933290 (ATAC-STARR-seq lymphoblastoid active region 15445; plus strand). Cytogenetic location: 2p23.3.
Variant type: single nucleotide variant.
Coding change: c.481A>G on transcript NM_022552.5 (MANE Select); coding-DNA position 481, A replaced by G.
Protein change: p.Met161Val; replaces methionine 161 with valine.
Molecular consequence: missense variant. On other transcripts: non-coding transcript variant (1).
Genome position (GRCh38, 1-based): chr2:25,275,511, T>C on the plus strand (A>G on the coding strand, the complement: DNMT3A is on the minus strand). VCF-style: chr2-25275511-T-C. GRCh37 (hg19) VCF-style: chr2-25498380-T-C.
Other names: c.481A>G, p.Met161Val (NM_175629.2); short protein forms M161V.
Identifiers: ClinVar variation 2628699 (VCV002628699.4), dbSNP rs574046229, ClinGen allele CA1556446.